The following is an entry in ClinVar:

NM_182493.3(MYLK3):c.1915-8T>A

Gene: MYLK3 (myosin light chain kinase 3; minus strand). Cytogenetic location: 16q11.2.
Variant type: single nucleotide variant.
Coding change: c.1915-8T>A on transcript NM_182493.3 (MANE Select); 8 bases into the intron before coding-DNA position 1915, T replaced by A.
Molecular consequence: intron variant.
Genome position (GRCh38, 1-based): chr16:46,721,201, A>T on the plus strand (T>A on the coding strand, the complement: MYLK3 is on the minus strand). VCF-style: chr16-46721201-A-T. GRCh37 (hg19) VCF-style: chr16-46755113-A-T.
Other names: c.892-8T>A (NM_001308301.1).
Identifiers: ClinVar variation 1939721 (VCV001939721.5), dbSNP rs994896899, ClinGen allele CA280213985.
Genomic context (GRCh38, chr16:46,721,201, plus strand): 5'-TCAATGATCTTAATTTGATGTCCTGTCTGATTGACGCACAATATGTTCTCCGGCTGGGAA[A>T]GAAAGAAGTCTGCTTAGCCCAAGCAATAGCTGAGGAGGTCTGCAGCTGCCACACTTGTCT-3'

ClinVar aggregate classification (germline): Uncertain significance (1 of 4 stars; one submission).

Allele frequency attached by ClinVar (database versions not stated): gnomAD exomes below 0.00001.
gnomAD v4.1: 2 of 1,614,114 alleles (0.00012%); highest among the groups gnomAD compares: Non-Finnish European, 0.000085%; no homozygotes.

Submission:

Labcorp Genetics (formerly Invitae), Labcorp
Classification: Uncertain significance. Last evaluated: 2024-05-27. Review status: criteria provided, single submitter. Criteria: Invitae Variant Classification Sherloc (09022015). Collection method: clinical testing. Allele origin: germline.
Comment: This sequence change falls in intron 8 of the MYLK3 gene. It does not directly change the encoded amino acid sequence of the MYLK3 protein. This variant is present in population databases (no rsID available, gnomAD 0.01%). This variant has not been reported in the literature in individuals affected with MYLK3-related conditions. ClinVar contains an entry for this variant (Variation ID: 1939721). Algorithms developed to predict the effect of sequence changes on RNA splicing suggest that this variant may disrupt the consensus splice site. In summary, the available evidence is currently insufficient to determine the role of this variant in disease. Therefore, it has been classified as a Variant of Uncertain Significance.